The following is an entry in ClinVar:

ClinVar aggregate classification (germline): Likely benign (0 of 4 stars; one submission).

Conditions:
BBS2-related disorder. Also called: BBS2-related disorders; BBS2-related condition. Identifiers: MedGen CN239228.

Allele frequency attached by ClinVar (database versions not stated): gnomAD exomes below 0.00001; ExAC 0.00001; gnomAD 0.00001; TOPMed 0.00001.
gnomAD v4.1: 4 of 1,610,802 alleles (0.00025%); highest among the groups gnomAD compares: Non-Finnish European, 0.00025%; no homozygotes.

Submission:

PreventionGenetics, part of Exact Sciences
Classification: Likely benign for BBS2-related condition. Last evaluated: 2023-12-11. Review status: no assertion criteria provided. Collection method: clinical testing. Allele origin: germline.
Comment: This variant is classified as likely benign based on ACMG/AMP sequence variant interpretation guidelines (Richards et al. 2015 PMID: 25741868, with internal and published modifications).

NM_031885.5(BBS2):c.804+6T>A

Gene: BBS2 (Bardet-Biedl syndrome 2; minus strand). Cytogenetic location: 16q13.
Variant type: single nucleotide variant.
Coding change: c.804+6T>A on transcript NM_031885.5 (MANE Select); 6 bases into the intron after coding-DNA position 804, T replaced by A.
Molecular consequence: intron variant.
Genome position (GRCh38, 1-based): chr16:56,505,944, A>T on the plus strand (T>A on the coding strand, the complement: BBS2 is on the minus strand). VCF-style: chr16-56505944-A-T. GRCh37 (hg19) VCF-style: chr16-56539856-A-T.
Other names: c.804+6T>A (NM_001377456.1).
Identifiers: ClinVar variation 3054081 (VCV003054081.2), dbSNP rs762433088, ClinGen allele CA8065926.